The following is an entry in ClinVar:

NM_006030.4(CACNA2D2):c.1152+1G>A

Gene: CACNA2D2 (calcium voltage-gated channel auxiliary subunit alpha2delta 2; minus strand). Cytogenetic location: 3p21.31.
Variant type: single nucleotide variant.
Coding change: c.1152+1G>A on transcript NM_006030.4 (MANE Select); the canonical splice donor site of the intron after coding-DNA position 1152, G replaced by A.
Molecular consequence: splice donor variant.
Genome position (GRCh38, 1-based): chr3:50,379,431, C>T on the plus strand (G>A on the coding strand, the complement: CACNA2D2 is on the minus strand). VCF-style: chr3-50379431-C-T. GRCh37 (hg19) VCF-style: chr3-50416862-C-T.
Other names: c.945+1G>A (NM_001291101.1); c.1152+1G>A (NM_001005505.3, NM_001410768.1, NM_001174051.3).
Identifiers: ClinVar variation 4753458 (VCV004753458.1).

ClinVar aggregate classification (germline): Likely pathogenic (1 of 4 stars; one submission).

Conditions:
Early-infantile DEE. Also called: Ohtahara syndrome; Early infantile epileptic encephalopathy; Early infantile epileptic encephalopathy with suppression bursts. Identifiers: Orphanet 1934, MedGen C0393706, MONDO:0800491.

gnomAD v4.1: 5 of 1,613,062 alleles (0.00031%); highest among the groups gnomAD compares: East Asian, 0.0022%; no homozygotes.

Submission:

Labcorp Genetics (formerly Invitae), Labcorp
Classification: Likely pathogenic for Early-infantile DEE. Last evaluated: 2025-05-22. Review status: criteria provided, single submitter. Criteria: Invitae Variant Classification Sherloc (09022015). Collection method: clinical testing. Allele origin: germline.
Comment: This sequence change affects a donor splice site in intron 11 of the CACNA2D2 gene. It is expected to disrupt RNA splicing. Variants that disrupt the donor or acceptor splice site typically lead to a loss of protein function (PMID: 16199547), and loss-of-function variants in CACNA2D2 are known to be pathogenic (PMID: 24358150). This variant is present in population databases (no rsID available, gnomAD 0.1%). This variant has not been reported in the literature in individuals affected with CACNA2D2-related conditions. Algorithms developed to predict the effect of sequence changes on RNA splicing suggest that this variant may disrupt the consensus splice site. In summary, the currently available evidence indicates that the variant is pathogenic, but additional data are needed to prove that conclusively. Therefore, this variant has been classified as Likely Pathogenic.

Literature cited by the submitters: PubMed 16199547; PubMed 24358150.